The following is an entry in ClinVar:

NM_176824.3(BBS7):c.454T>C (p.Cys152Arg)

Gene: BBS7 (Bardet-Biedl syndrome 7; minus strand). Cytogenetic location: 4q27.
Variant type: single nucleotide variant.
Coding change: c.454T>C on transcript NM_176824.3 (MANE Select); coding-DNA position 454, T replaced by C.
Protein change: p.Cys152Arg; replaces cysteine 152 with arginine.
Molecular consequence: missense variant.
Genome position (GRCh38, 1-based): chr4:121,859,066, A>G on the plus strand (T>C on the coding strand, the complement: BBS7 is on the minus strand). VCF-style: chr4-121859066-A-G. GRCh37 (hg19) VCF-style: chr4-122780221-A-G.
Other names: c.454T>C, p.Cys152Arg (NM_018190.4); short protein forms C152R.
Identifiers: ClinVar variation 216828 (VCV000216828.3), dbSNP rs863224814, ClinGen allele CA336319.

ClinVar aggregate classification (germline): Uncertain significance (1 of 4 stars; one submission).

Conditions:
Bardet-Biedl syndrome (BBS). Identifiers: Orphanet 110, MedGen C0752166, MONDO:0015229.

Allele frequency attached by ClinVar (database versions not stated): gnomAD exomes below 0.00001; TOPMed below 0.00001.
gnomAD v4.1: 5 of 1,613,994 alleles (0.00031%); highest among the groups gnomAD compares: Non-Finnish European, 0.00034%; no homozygotes.

Submission:

Labcorp Genetics (formerly Invitae), Labcorp
Classification: Uncertain significance for Bardet-Biedl syndrome. Last evaluated: 2025-10-22. Review status: criteria provided, single submitter. Criteria: Invitae Variant Classification Sherloc (09022015). Collection method: clinical testing. Allele origin: germline.
Comment: This sequence change replaces cysteine, which is neutral and slightly polar, with arginine, which is basic and polar, at codon 152 of the BBS7 protein (p.Cys152Arg). This variant is not present in population databases (gnomAD no frequency). This missense change has been observed in individual(s) with Bardet-Biedl syndrome (internal data). ClinVar contains an entry for this variant (Variation ID: 216828). Invitae Evidence Modeling of protein sequence and biophysical properties (such as structural, functional, and spatial information, amino acid conservation, physicochemical variation, residue mobility, and thermodynamic stability) indicates that this missense variant is expected to disrupt BBS7 protein function with a positive predictive value of 80%. In summary, the available evidence is currently insufficient to determine the role of this variant in disease. Therefore, it has been classified as a Variant of Uncertain Significance.